The following is an entry in ClinVar:

ClinVar aggregate classification (germline): Pathogenic (1 of 4 stars; one submission).

Conditions:
Myopathy caused by variation in FKTN. Identifiers: MedGen CN305638, MONDO:0700067.

Submission:

Myriad Genetics, Inc.
Classification: Pathogenic for Myopathy caused by variation in FKTN. Last evaluated: 2026-07-09. Review status: criteria provided, single submitter. Criteria: Myriad Autosomal Dominant, Autosomal Recessive and X-Linked Classification Criteria (2023). Collection method: clinical testing. Allele origin: unknown.
Comment: NM_001079802.1(FKTN):c.621delT(F207Lfs*33) is expected to be pathogenic in the context of FKTN-related disorders. This variant is predicted to lead to an abnormal or absent protein product due to the creation of a premature termination codon in FKTN, a gene where loss-of-function variants are known to be pathogenic. Please note: this variant was assessed in the context of healthy population screening.

NM_001079802.2(FKTN):c.621del (p.Phe207fs)

Gene: FKTN (fukutin; plus strand). Cytogenetic location: 9q31.2.
Variant type: Deletion.
Coding change: c.621del on transcript NM_001079802.2 (MANE Select); coding-DNA position 621, one base deleted (T; older notation c.621delT).
Protein change: p.Phe207fs; shifts the reading frame from phenylalanine 207.
Molecular consequence: frameshift variant. On other transcripts: non-coding transcript variant (2).
Genome position (GRCh38, 1-based): chr9:105,604,466, T deleted; the last of 3 consecutive T bases (chr9:105,604,464-105,604,466); deleting any one gives the same sequence. VCF-style (leftmost placement, unchanged base first): chr9-105604463-GT-G. GRCh37 (hg19) VCF-style: chr9-108366744-GT-G.
Other names: c.621del, p.Phe207fs (NM_001198963.2, NM_001351496.2, NM_001351498.2 and 1 more transcripts); c.552del, p.Phe184fs (NM_001351497.2); c.225del, p.Phe75fs (NM_001351499.2, NM_001351500.2, NM_001351501.2 and 1 more transcripts); short protein forms F184fs, F207fs, F75fs.
Identifiers: ClinVar variation 5016117 (VCV005016117.1).